The following is an entry in ClinVar:

ClinVar aggregate classification (germline): Conflicting classifications of pathogenicity. Review status: criteria provided, conflicting classifications (1 of 4 stars). 4 submissions from 4 submitters: Uncertain significance (3); Likely benign (1). Last evaluated 2026-01-11.

Conditions:
Familial meningioma. Also called: Meningioma, familial, susceptibility to. Identifiers: Orphanet 263662, MedGen C3551915, MONDO:0011789, OMIM 607174.
Coffin-Siris syndrome 5 (CSS5). Identifiers: Orphanet 1465, MedGen C4310788, MONDO:0014838, OMIM 616938.
Hereditary cancer-predisposing syndrome. Also called: Neoplastic Syndromes, Hereditary; Tumor predisposition; Hereditary neoplastic syndrome; Hereditary Cancer Syndrome. Identifiers: Orphanet 140162, MedGen C0027672, MeSH D009386, MONDO:0015356.

Allele frequency attached by ClinVar (database versions not stated): TOPMed 0.00001.
gnomAD v4.1: 19 of 1,611,906 alleles (0.0012%); highest among the groups gnomAD compares: Non-Finnish European, 0.0016%; no homozygotes.

Submissions (4):

Labcorp Genetics (formerly Invitae), Labcorp
Classification: Uncertain significance for Familial meningioma. Last evaluated: 2026-01-11. Review status: criteria provided, single submitter. Criteria: Invitae Variant Classification Sherloc (09022015). Collection method: clinical testing. Allele origin: germline.
Comment: This sequence change replaces glutamic acid, which is acidic and polar, with lysine, which is basic and polar, at codon 411 of the SMARCE1 protein (p.Glu411Lys). This variant is present in population databases (rs62622817, gnomAD 0.004%). This variant has not been reported in the literature in individuals affected with SMARCE1-related conditions. ClinVar contains an entry for this variant (Variation ID: 643758). Experimental studies and prediction algorithms are not available or were not evaluated, and the functional significance of this variant is currently unknown. In summary, the available evidence is currently insufficient to determine the role of this variant in disease. Therefore, it has been classified as a Variant of Uncertain Significance.

GeneDx
Classification: Uncertain significance. Last evaluated: 2025-07-28. Review status: criteria provided, single submitter. Criteria: GeneDx Variant Classification Process June 2021. Collection method: clinical testing. Allele origin: germline. Affected: yes.
Comment: In silico analysis suggests that this missense variant does not alter protein structure/function; Has not been previously published as pathogenic or benign to our knowledge; This variant is associated with the following publications: (PMID: 19245665)

Fulgent Genetics
Classification: Uncertain significance for Familial meningioma; Coffin-Siris syndrome 5. Last evaluated: 2024-05-10. Review status: criteria provided, single submitter. Criteria: ACMG Guidelines, 2015. Collection method: clinical testing. Allele origin: germline.

Ambry Genetics
Classification: Likely benign for Hereditary cancer-predisposing syndrome. Last evaluated: 2021-08-30. Review status: criteria provided, single submitter. Criteria: Ambry Variant Classification Scheme 2023. Collection method: clinical testing. Allele origin: germline.

NM_003079.5(SMARCE1):c.1231G>A (p.Glu411Lys)

Gene: SMARCE1 (SWI/SNF related BAF chromatin remodeling complex subunit E1; minus strand). Cytogenetic location: 17q21.2.
Variant type: single nucleotide variant.
Coding change: c.1231G>A on transcript NM_003079.5 (MANE Select); coding-DNA position 1231, G replaced by A.
Protein change: p.Glu411Lys; replaces glutamic acid 411 with lysine.
Molecular consequence: missense variant.
Genome position (GRCh38, 1-based): chr17:40,628,790, C>T on the plus strand (G>A on the coding strand, the complement: SMARCE1 is on the minus strand). VCF-style: chr17-40628790-C-T. GRCh37 (hg19) VCF-style: chr17-38785042-C-T.
Other names: short protein forms E411K.
Identifiers: ClinVar variation 643758 (VCV000643758.16), dbSNP rs62622817, ClinGen allele CA8545041.
Genomic context (GRCh38, chr17:40,628,790, plus strand): 5'-AAAAAACATTTTTTCATTAAAAAAAGTATTTAGAACACACAAAACAAGGCAACACTTATT[C>T]TTTTTTCTCATCTTCTGGTATGGGATCTGTTGGTGGCTCCTCCACTGTTGCACTGTTGCT-3'
Protein context (NP_003070.3, residues 401-411): TDPIPEDEKK[Glu411Lys]